The following is an entry in ClinVar:

ClinVar aggregate classification (germline): Uncertain significance. Review status: criteria provided, multiple submitters, no conflicts (2 of 4 stars). 3 submissions from 3 submitters: Uncertain significance (3). Last evaluated 2025-07-21.

Conditions:
Immunodeficiency 39 (IMD39). Identifiers: Orphanet 574918, MedGen C4225358, MONDO:0014597, OMIM 616345.

Submissions (3):

Labcorp Genetics (formerly Invitae), Labcorp
Classification: Uncertain significance for Immunodeficiency 39. Last evaluated: 2025-07-21. Review status: criteria provided, single submitter. Criteria: Invitae Variant Classification Sherloc (09022015). Collection method: clinical testing. Allele origin: germline.
Comment: This sequence change creates a premature translational stop signal (p.Gly260Argfs*3) in the IRF7 gene. It is expected to result in an absent or disrupted protein product. However, the current clinical and genetic evidence is not sufficient to establish whether loss-of-function variants in IRF7 cause disease. This variant is present in population databases (rs779826882, gnomAD 0.02%). This variant has not been reported in the literature in individuals affected with IRF7-related conditions. ClinVar contains an entry for this variant (Variation ID: 568378). In summary, the available evidence is currently insufficient to determine the role of this variant in disease. Therefore, it has been classified as a Variant of Uncertain Significance.

Blueprint Genetics
Classification: Uncertain significance. Last evaluated: 2024-08-28. Review status: criteria provided, single submitter. Criteria: ACMG Guidelines, 2015. Collection method: clinical testing. Allele origin: germline.

Fulgent Genetics
Classification: Uncertain significance for Immunodeficiency 39. Last evaluated: 2022-04-27. Review status: criteria provided, single submitter. Criteria: ACMG Guidelines, 2015. Collection method: clinical testing. Allele origin: unknown.

NM_001572.5(IRF7):c.738_750del (p.Gly247fs)

Gene: IRF7 (interferon regulatory factor 7; minus strand). Cytogenetic location: 11p15.5.
Variant type: Deletion.
Coding change: c.738_750del on transcript NM_001572.5 (MANE Select); coding-DNA positions 738 to 750, 13 bases deleted (CGGGCCCCAGCCC).
Protein change: p.Gly247fs; shifts the reading frame from glycine 247.
Molecular consequence: frameshift variant. On other transcripts: intron variant (1).
Genome position (GRCh38, 1-based): chr11:613,967-613,979, GGGCTGGGGCCCG deleted on the plus strand (CGGGCCCCAGCCC on the coding strand, the reverse complement: IRF7 is on the minus strand); deleting any 13 consecutive bases within chr11:613,967-613,988 gives the same sequence; the c. name uses the placement nearest the transcript's 3' end. VCF-style (leftmost placement, unchanged base first): chr11-613966-CGGGCTGGGGCCCG-C. GRCh37 (hg19) VCF-style: chr11-613966-CGGGCTGGGGCCCG-C.
Other names: c.777_789del, p.Gly260fs (NM_004031.4); c.680-114_680-102del (NM_004029.4); c.738_750del, p.Gly247fs (LRG_1313t1); short protein forms G260fs, G247fs.
Identifiers: ClinVar variation 568378 (VCV000568378.8), dbSNP rs779826882, ClinGen allele CA5783798.